The following is an entry in ClinVar:

NM_001330311.2(DVL1):c.1889C>T (p.Pro630Leu)

Gene: DVL1 (dishevelled segment polarity protein 1; minus strand). Cytogenetic location: 1p36.33.
Variant type: single nucleotide variant.
Coding change: c.1889C>T on transcript NM_001330311.2 (MANE Select); coding-DNA position 1889, C replaced by T.
Protein change: p.Pro630Leu; replaces proline 630 with leucine.
Molecular consequence: missense variant.
Genome position (GRCh38, 1-based): chr1:1,336,341, G>A on the plus strand (C>T on the coding strand, the complement: DVL1 is on the minus strand). VCF-style: chr1-1336341-G-A. GRCh37 (hg19) VCF-style: chr1-1271721-G-A.
Other names: c.1814C>T, p.Pro605Leu (NM_004421.3); short protein forms P605L, P630L.
Identifiers: ClinVar variation 3615524 (VCV003615524.2).
Genomic context (GRCh38, chr1:1,336,341, plus strand): 5'-GCCTTGGTCGTGGGGTGGGGCGGGGGGAGCCCCGGGGCGGTAGCCGAGGCCTGACTGCGT[G>A]GGCTGCTGCCACGGCTGAGCTGGCCGGCCGGACGCTCTCGCCAGCTGCTCCCCACCCCAC-3'
Protein context (NP_001317240.1, residues 620-640): PAGQLSRGSS[Pro630Leu]RSQASATAPG

ClinVar aggregate classification (germline): Uncertain significance (1 of 4 stars; one submission).

Submission:

Labcorp Genetics (formerly Invitae), Labcorp
Classification: Uncertain significance. Last evaluated: 2024-04-08. Review status: criteria provided, single submitter. Criteria: Invitae Variant Classification Sherloc (09022015). Collection method: clinical testing. Allele origin: germline.
Comment: This sequence change replaces proline, which is neutral and non-polar, with leucine, which is neutral and non-polar, at codon 605 of the DVL1 protein (p.Pro605Leu). This variant is present in population databases (rs745542260, gnomAD 0.03%). This variant has not been reported in the literature in individuals affected with DVL1-related conditions. Advanced modeling of protein sequence and biophysical properties (such as structural, functional, and spatial information, amino acid conservation, physicochemical variation, residue mobility, and thermodynamic stability) performed at Invitae indicates that this missense variant is not expected to disrupt DVL1 protein function with a negative predictive value of 80%. In summary, the available evidence is currently insufficient to determine the role of this variant in disease. Therefore, it has been classified as a Variant of Uncertain Significance.